The following is an entry in ClinVar:

NM_001394062.1(MACF1):c.2840T>G (p.Val947Gly)

Gene: MACF1 (microtubule actin crosslinking factor 1; plus strand). Cytogenetic location: 1p34.3.
Variant type: single nucleotide variant.
Coding change: c.2840T>G on transcript NM_001394062.1 (MANE Select); coding-DNA position 2840, T replaced by G.
Protein change: p.Val947Gly; replaces valine 947 with glycine.
Molecular consequence: missense variant.
Genome position (GRCh38, 1-based): chr1:39,309,620, T>G. VCF-style: chr1-39309620-T-G. GRCh37 (hg19) VCF-style: chr1-39775292-T-G.
Other names: c.2855T>G, p.Val952Gly (NM_012090.5); short protein forms V947G, V952G.
Identifiers: ClinVar variation 2578039 (VCV002578039.2), dbSNP rs751507650, ClinGen allele CA339777025.

ClinVar aggregate classification (germline): Uncertain significance. Review status: criteria provided, multiple submitters, no conflicts (2 of 4 stars). 2 submissions from 2 submitters: Uncertain significance (2). Last evaluated 2024-11-27.

Conditions:
MACF1-related disorder. Also called: MACF1-related condition.

gnomAD v4.1: 1 of 1,614,078 alleles (0.000062%); highest among the groups gnomAD compares: African/African-American, 0.0013%; no homozygotes.

Submissions (2):

PreventionGenetics, part of Exact Sciences
Classification: Uncertain significance for MACF1-related condition. Last evaluated: 2024-11-27. Review status: criteria provided, single submitter. Criteria: ACMG Guidelines, 2015. Collection method: clinical testing. Allele origin: germline.
Comment: The MACF1 c.2855T>G variant is predicted to result in the amino acid substitution p.Val952Gly. To our knowledge, this variant has not been reported in the literature or in a large population database (gnomAD), indicating this variant is rare. At this time, the clinical significance of this variant is uncertain due to the absence of conclusive functional and genetic evidence.

GeneDx
Classification: Uncertain significance. Last evaluated: 2023-02-28. Review status: criteria provided, single submitter. Criteria: GeneDx Variant Classification Process June 2021. Collection method: clinical testing. Allele origin: germline. Affected: yes.
Comment: Not observed at significant frequency in large population cohorts (gnomAD); In silico analysis supports that this missense variant has a deleterious effect on protein structure/function; Has not been previously published as pathogenic or benign to our knowledge